The following is an entry in ClinVar:

NM_000090.4(COL3A1):c.3040-18T>G

Gene: COL3A1 (collagen type III alpha 1 chain; plus strand). Cytogenetic location: 2q32.2.
Variant type: single nucleotide variant.
Coding change: c.3040-18T>G on transcript NM_000090.4 (MANE Select); 18 bases into the intron before coding-DNA position 3040, T replaced by G.
Molecular consequence: intron variant.
Genome position (GRCh38, 1-based): chr2:189,006,188, T>G. VCF-style: chr2-189006188-T-G. GRCh37 (hg19) VCF-style: chr2-189870914-T-G.
Identifiers: ClinVar variation 506645 (VCV000506645.4), dbSNP rs369590025, ClinGen allele CA075810.

ClinVar aggregate classification (germline): Likely benign. Review status: criteria provided, multiple submitters, no conflicts (2 of 4 stars). 2 submissions from 2 submitters: Likely benign (2). Last evaluated 2026-01-06.

Conditions:
Ehlers-Danlos syndrome, type 4 (EDSVASC). Also called: Ehlers-Danlos syndrome vascular type; Ehlers Danlos syndrome, ecchymotic type; Ehlers Danlos syndrome, arterial type; Ehlers Danlos syndrome, Sack-Barabas type; Ehlers-Danlos Syndrome Type IV. Identifiers: Orphanet 286, MedGen C0268338, MONDO:0017314, OMIM 130050.

Allele frequency attached by ClinVar (database versions not stated): gnomAD exomes below 0.00001 and 0.00004; ExAC 0.00005; TOPMed 0.00008; gnomAD 0.00013 and 0.00014; ESP Exome Variant Server 0.00023; 1000 Genomes Project 30x 0.00031; 1000 Genomes Project 0.00040.
gnomAD v4.1: 29 of 1,613,958 alleles (0.0018%); highest among the groups gnomAD compares: African/African-American, 0.032%; no homozygotes.

Submissions (2):

Labcorp Genetics (formerly Invitae), Labcorp
Classification: Likely benign for Ehlers-Danlos syndrome, type 4. Last evaluated: 2026-01-06. Review status: criteria provided, single submitter. Criteria: Invitae Variant Classification Sherloc (09022015). Collection method: clinical testing. Allele origin: germline.

GeneDx
Classification: Likely benign. Last evaluated: 2017-03-28. Review status: criteria provided, single submitter. Criteria: GeneDx Variant Classification (06012015). Collection method: clinical testing. Allele origin: germline. Affected: yes.
Comment: This variant is considered likely benign or benign based on one or more of the following criteria: it is a conservative change, it occurs at a poorly conserved position in the protein, it is predicted to be benign by multiple in silico algorithms, and/or has population frequency not consistent with disease.